The following is an entry in ClinVar:

ClinVar aggregate classification (germline): Uncertain significance (1 of 4 stars; one submission).

Conditions:
DiGeorge syndrome. Also called: THIRD AND FOURTH PHARYNGEAL POUCH SYNDROME; Catch22. Identifiers: Orphanet 567, MedGen C0012236, MONDO:0008564, OMIM 188400.

Submission:

Labcorp Genetics (formerly Invitae), Labcorp
Classification: Uncertain significance for DiGeorge syndrome. Last evaluated: 2020-08-25. Review status: criteria provided, single submitter. Criteria: Invitae Variant Classification Sherloc (09022015). Collection method: clinical testing. Allele origin: germline.
Comment: In summary, the available evidence is currently insufficient to determine the role of this variant in disease. Therefore, it has been classified as a Variant of Uncertain Significance. This sequence change replaces proline with serine at codon 141 of the TBX1 protein (p.Pro141Ser). The proline residue is highly conserved and there is a moderate physicochemical difference between proline and serine. This variant is not present in population databases (ExAC no frequency). This variant has not been reported in the literature in individuals with TBX1-related conditions. Algorithms developed to predict the effect of missense changes on protein structure and function (SIFT, PolyPhen-2, Align-GVGD) all suggest that this variant is likely to be disruptive, but these predictions have not been confirmed by published functional studies and their clinical significance is uncertain.

NM_001379200.1(TBX1):c.448C>T (p.Pro150Ser)

Gene: TBX1 (T-box transcription factor 1; plus strand). Cytogenetic location: 22q11.21.
Variant type: single nucleotide variant.
Coding change: c.448C>T on transcript NM_001379200.1 (MANE Select); coding-DNA position 448, C replaced by T.
Protein change: p.Pro150Ser; replaces proline 150 with serine.
Molecular consequence: missense variant.
Genome position (GRCh38, 1-based): chr22:19,763,251, C>T. VCF-style: chr22-19763251-C-T. GRCh37 (hg19) VCF-style: chr22-19750774-C-T.
Other names: c.421C>T, p.Pro141Ser (NM_080647.1, NM_005992.1, NM_080646.2); short protein forms P141S, P150S.
Identifiers: ClinVar variation 860474 (VCV000860474.9), dbSNP rs1936725102, ClinGen allele CA410682101.